The following is an entry in ClinVar:

ClinVar aggregate classification (germline): Conflicting classifications of pathogenicity. Review status: criteria provided, conflicting classifications (1 of 4 stars). 4 submissions from 4 submitters: Uncertain significance (1); Likely benign (2). 1 of the submissions does not count toward it. Last evaluated 2025-12-20.

Conditions:
Neuromuscular disease caused by qualitative or quantitative defects of dysferlin. Also called: Dysferlinopathy; Qualitative or quantitative defects of dysferlin. Identifiers: Orphanet 207073, MedGen C2931687, MONDO:0016145.
Autosomal recessive limb-girdle muscular dystrophy type 2B (LGMDR2). Also called: MUSCULAR DYSTROPHY, LIMB-GIRDLE, TYPE 3; Limb-Girdle Muscular Dystrophy Type 2B (LGMD2B); Limb-girdle muscular dystrophy, type 2B; MUSCULAR DYSTROPHY, LIMB-GIRDLE, AUTOSOMAL RECESSIVE 2. Identifiers: Orphanet 268, MedGen C1850889, MONDO:0009676, OMIM 253601.

Allele frequency attached by ClinVar (database versions not stated): gnomAD exomes 0.00001 and 0.00002; gnomAD 0.00003 and 0.00004; TOPMed 0.00005.
gnomAD v4.1: 35 of 1,614,014 alleles (0.0022%); highest among the groups gnomAD compares: Middle Eastern, 0.066%; no homozygotes.

Submissions (4):

Labcorp Genetics (formerly Invitae), Labcorp
Classification: Likely benign for Neuromuscular disease caused by qualitative or quantitative defects of dysferlin. Last evaluated: 2025-12-20. Review status: criteria provided, single submitter. Criteria: Invitae Variant Classification Sherloc (09022015). Collection method: clinical testing. Allele origin: germline.

GeneDx
Classification: Likely benign. Last evaluated: 2018-01-03. Review status: criteria provided, single submitter. Criteria: GeneDx Variant Classification (06012015). Collection method: clinical testing. Allele origin: germline. Affected: yes.
Comment: This variant is considered likely benign or benign based on one or more of the following criteria: it is a conservative change, it occurs at a poorly conserved position in the protein, it is predicted to be benign by multiple in silico algorithms, and/or has population frequency not consistent with disease.

Eurofins Ntd Llc (ga)
Classification: Uncertain significance. Last evaluated: 2017-09-06. Review status: criteria provided, single submitter. Criteria: EGL Classification Definitions 2015. Collection method: clinical testing. Allele origin: germline. Observed: 2 variant alleles, 2 heterozygotes.

Natera, Inc.
Classification: Uncertain significance for Limb-girdle muscular dystrophy type 2B. Last evaluated: 2019-12-31. Review status: no assertion criteria provided. Collection method: clinical testing. Allele origin: germline. Not counted in ClinVar's aggregate classification.

NM_001130987.2(DYSF):c.2370G>A (p.Ala790=)

Gene: DYSF (dysferlin; plus strand). Cytogenetic location: 2p13.2.
Variant type: single nucleotide variant.
Coding change: c.2370G>A on transcript NM_001130987.2 (MANE Select); coding-DNA position 2370, G replaced by A.
Protein change: p.Ala790=; no amino-acid change (alanine 790 retained).
Molecular consequence: synonymous variant.
Genome position (GRCh38, 1-based): chr2:71,561,905, G>A. VCF-style: chr2-71561905-G-A. GRCh37 (hg19) VCF-style: chr2-71789035-G-A.
Other names: c.2319G>A, p.Ala773= (NM_001130455.2, NM_001130983.2); c.2274G>A, p.Ala758= (NM_001130976.2, NM_001130977.2); c.2316G>A, p.Ala772= (NM_001130978.2, NM_003494.4); c.2409G>A, p.Ala803= (NM_001130979.2); c.2367G>A, p.Ala789= (NM_001130980.2, NM_001130981.2); c.2412G>A, p.Ala804= (NM_001130982.2); c.2277G>A, p.Ala759= (NM_001130984.2, NM_001130986.2); c.2370G>A, p.Ala790= (NM_001130985.2).
Identifiers: ClinVar variation 288292 (VCV000288292.14), dbSNP rs553605812, ClinGen allele CA10606035.